The following is an entry in ClinVar:

NM_153717.3(EVC):c.2071_2072del (p.His691fs)

Gene: EVC (EvC ciliary complex subunit 1; plus strand). Cytogenetic location: 4p16.2.
Variant type: Deletion.
Coding change: c.2071_2072del on transcript NM_153717.3 (MANE Select); coding-DNA positions 2071 to 2072, 2 bases deleted (CA; older notation c.2071_2072delCA).
Protein change: p.His691fs; shifts the reading frame from histidine 691.
Molecular consequence: frameshift variant.
Genome position (GRCh38, 1-based): chr4:5,797,206-5,797,207, CA deleted. VCF-style (leftmost placement, unchanged base first): chr4-5797205-GCA-G. GRCh37 (hg19) VCF-style: chr4-5798932-GCA-G.
Other names: c.2071_2072del, p.His691fs (NM_001306090.2); short protein forms H691fs.
Identifiers: ClinVar variation 5013636 (VCV005013636.1).

ClinVar aggregate classification (germline): Pathogenic (1 of 4 stars; one submission).

Conditions:
Ellis-van Creveld syndrome (EVC). Also called: MESOECTODERMAL DYSPLASIA; Chondroectodermal dysplasia. Identifiers: Orphanet 289, MedGen C0013903, MONDO:0009162, OMIM 225500.

Submission:

Myriad Genetics, Inc.
Classification: Pathogenic for Ellis-van Creveld syndrome. Last evaluated: 2024-10-12. Review status: criteria provided, single submitter. Criteria: Myriad Autosomal Dominant, Autosomal Recessive and X-Linked Classification Criteria (2023). Collection method: clinical testing. Allele origin: unknown.
Comment: NM_153717.2(EVC):c.2071_2072delCA(H691Sfs*75) is expected to be pathogenic in the context of EVC-related Ellis-van Creveld syndrome. This variant is predicted to lead to an abnormal or absent protein product due to the creation of a premature termination codon in EVC, a gene where loss-of-function variants are known to be pathogenic. Please note: this variant was assessed in the context of healthy population screening.